The following is an entry in ClinVar:

NM_152424.4(AMER1):c.3037C>T (p.Pro1013Ser)

Gene: AMER1 (APC membrane recruitment protein 1; minus strand). Cytogenetic location: Xq11.2.
Variant type: single nucleotide variant.
Coding change: c.3037C>T on transcript NM_152424.4 (MANE Select); coding-DNA position 3037, C replaced by T.
Protein change: p.Pro1013Ser; replaces proline 1013 with serine.
Molecular consequence: missense variant.
Genome position (GRCh38, 1-based): chrX:64,190,250, G>A on the plus strand (C>T on the coding strand, the complement: AMER1 is on the minus strand). VCF-style: chrX-64190250-G-A. GRCh37 (hg19) VCF-style: chrX-63410130-G-A.
Other names: short protein forms P1013S.
Identifiers: ClinVar variation 2961715 (VCV002961715.2), dbSNP rs1930213354, ClinGen allele CA413301645.

ClinVar aggregate classification (germline): Uncertain significance (1 of 4 stars; one submission).

Submission:

Labcorp Genetics (formerly Invitae), Labcorp
Classification: Uncertain significance. Last evaluated: 2023-03-01. Review status: criteria provided, single submitter. Criteria: Invitae Variant Classification Sherloc (09022015). Collection method: clinical testing. Allele origin: germline.
Comment: In summary, the available evidence is currently insufficient to determine the role of this variant in disease. Therefore, it has been classified as a Variant of Uncertain Significance. Algorithms developed to predict the effect of missense changes on protein structure and function output the following: SIFT: "Not Available"; PolyPhen-2: "Benign"; Align-GVGD: "Not Available". The serine amino acid residue is found in multiple mammalian species, which suggests that this missense change does not adversely affect protein function. This variant has not been reported in the literature in individuals affected with AMER1-related conditions. This variant is not present in population databases (gnomAD no frequency). This sequence change replaces proline, which is neutral and non-polar, with serine, which is neutral and polar, at codon 1013 of the AMER1 protein (p.Pro1013Ser).